The following is an entry in ClinVar:

NM_177438.3(DICER1):c.1330G>A (p.Gly444Arg)

Gene: DICER1 (dicer 1, ribonuclease III; minus strand). Cytogenetic location: 14q32.13.
Variant type: single nucleotide variant.
Coding change: c.1330G>A on transcript NM_177438.3 (MANE Select); coding-DNA position 1330, G replaced by A.
Protein change: p.Gly444Arg; replaces glycine 444 with arginine.
Molecular consequence: missense variant. On other transcripts: 5 prime UTR variant (1), non-coding transcript variant (6).
Genome position (GRCh38, 1-based): chr14:95,124,242, C>T on the plus strand (G>A on the coding strand, the complement: DICER1 is on the minus strand). VCF-style: chr14-95124242-C-T. GRCh37 (hg19) VCF-style: chr14-95590579-C-T.
Other names: c.1330G>A, p.Gly444Arg (NM_001195573.1, NM_001271282.3, NM_001291628.2 and 14 more transcripts); c.1048G>A, p.Gly350Arg (NM_001395686.1); c.925G>A, p.Gly309Arg (NM_001395687.1, NM_001395688.1, NM_001395689.1 and 3 more transcripts); c.763G>A, p.Gly255Arg (NM_001395691.1); c.-239G>A (NM_001395697.1); short protein forms G444R, G255R, G309R, G350R.
Identifiers: ClinVar variation 3839999 (VCV003839999.1).

ClinVar aggregate classification (germline): Uncertain significance (1 of 4 stars; one submission).

Conditions:
Hereditary cancer-predisposing syndrome. Also called: Hereditary neoplastic syndrome; Neoplastic Syndromes, Hereditary; Tumor predisposition; Hereditary Cancer Syndrome. Identifiers: Orphanet 140162, MedGen C0027672, MeSH D009386, MONDO:0015356.

gnomAD v4.1: 1 of 1,613,878 alleles (0.000062%); no homozygotes.

Submission:

Ambry Genetics
Classification: Uncertain significance for Hereditary cancer-predisposing syndrome. Last evaluated: 2025-01-13. Review status: criteria provided, single submitter. Criteria: Ambry Variant Classification Scheme 2023. Collection method: clinical testing. Allele origin: germline.
Comment: The p.G444R variant (also known as c.1330G>A), located in coding exon 7 of the DICER1 gene, results from a G to A substitution at nucleotide position 1330. The glycine at codon 444 is replaced by arginine, an amino acid with dissimilar properties. This amino acid position is highly conserved in available vertebrate species. In addition, this alteration is predicted to be deleterious by in silico analysis. Based on the available evidence, the clinical significance of this variant remains unclear.